The following is an entry in ClinVar:

NC_000023.10:g.(31366752_31462597)_(31525571_31645789)dup

Gene: DMD (dystrophin; minus strand). Cytogenetic location: Xp21.2-21.1.
Variant type: Duplication.
Identifiers: ClinVar variation 1050834 (VCV001050834.1).

ClinVar aggregate classification (germline): Uncertain significance (1 of 4 stars; one submission).

Submission:

Women's Health and Genetics/Laboratory Corporation of America, LabCorp
Classification: Uncertain significance. Last evaluated: 2021-03-26. Review status: criteria provided, single submitter. Criteria: LabCorp Variant Classification Summary - May 2015. Collection method: clinical testing. Allele origin: germline.
Comment: Variant summary: The variant identified by MLPA or other technology involves the duplication of exons 56-60 in the DMD gene. A presumed nomenclature of c.(8217+1_8218-1)_(9084+1_9085-1)dup has been designated for the purposes of this classification. It has been assumed that this is a tandem duplication in direct orientation (Richardson_GIM_2018, Newman_AJHG_2015). Although exact breakpoints of this duplication are not known, it is expected to result in a large in-frame duplication change in the DMD gene. Duplication of a genomic region encompassing DMD exons 56-60 (breakpoints located within intron 55 and intron 60) is reported in gnomAD (Structural Variants dataset). The specific variant allele was found at a frequency of 0.00044 in 15814 control chromosomes, including 6 hemizygotes. Duplication of exons 56-60 has been reported in the literature in individuals affected with Dystrophinopathies (e.g. Nicolas_2012, Ma_2018). These data indicate that the variant may be associated with disease. To our knowledge, no experimental evidence demonstrating an impact on protein function has been reported. A ClinVar submitter (evaluation after 2014) cites the variant as benign for the condition of premature ovarian failure. Based on the evidence outlined above, the variant was classified as uncertain significance.

Literature cited by the submitters: PubMed 29973226; PubMed 22776072; PubMed 26911353; PubMed 28116794.